The following is an entry in ClinVar:

NM_000038.6(APC):c.4848del (p.Lys1616fs)

Gene: APC (APC regulator of Wnt signaling pathway; plus strand). Cytogenetic location: 5q22.2.
Variant type: Deletion.
Coding change: c.4848del on transcript NM_000038.6 (MANE Select); coding-DNA position 4848, one base deleted (A; older notation c.4848delA).
Protein change: p.Lys1616fs; shifts the reading frame from lysine 1616.
Molecular consequence: frameshift variant. On other transcripts: non-coding transcript variant (2).
Genome position (GRCh38, 1-based): chr5:112,840,442, A deleted; the last of 3 consecutive A bases (chr5:112,840,440-112,840,442); deleting any one gives the same sequence. VCF-style (leftmost placement, unchanged base first): chr5-112840439-CA-C. GRCh37 (hg19) VCF-style: chr5-112176136-CA-C.
Other names: c.4848del, p.Lys1616fs (NM_001127510.3, NM_001354895.2, NM_001407450.1); c.4794del, p.Lys1598fs (NM_001127511.3); c.4902del, p.Lys1634fs (NM_001354896.2, NM_001407447.1, NM_001407448.1 and 1 more transcripts); c.4878del, p.Lys1626fs (NM_001354897.2); c.4773del, p.Lys1591fs (NM_001354898.2); c.4764del, p.Lys1588fs (NM_001354899.2); c.4725del, p.Lys1575fs (NM_001354900.2); c.4671del, p.Lys1557fs (NM_001354901.2, NM_001407453.1); and 11 more; short protein forms K1232fs, K1333fs, K1456fs, K1487fs, K1490fs, K1515fs, K1525fs, K1533fs.
Identifiers: ClinVar variation 3230565 (VCV003230565.1), dbSNP rs2533603531, ClinGen allele CA2825001373.

ClinVar aggregate classification (germline): Pathogenic (1 of 4 stars; one submission).

Conditions:
Hereditary cancer-predisposing syndrome. Also called: Neoplastic Syndromes, Hereditary; Tumor predisposition; Hereditary neoplastic syndrome; Hereditary Cancer Syndrome. Identifiers: Orphanet 140162, MedGen C0027672, MeSH D009386, MONDO:0015356.

Submission:

Ambry Genetics
Classification: Pathogenic for Hereditary cancer-predisposing syndrome. Last evaluated: 2021-10-20. Review status: criteria provided, single submitter. Criteria: Ambry Variant Classification Scheme 2023. Collection method: clinical testing. Allele origin: germline.
Comment: The c.4848delA variant, located in coding exon 15 of the APC gene, results from a deletion of one nucleotide at nucleotide position 4848, causing a translational frameshift with a predicted alternate stop codon (p.K1616Nfs*34). This alteration occurs at the 3' terminus of theAPC gene, is not expected to trigger nonsense-mediated mRNA decay, and only impacts the last 42% of the protein. However, premature stop codons are typically deleterious in nature and the impacted region is critical for protein function and a significant portion of the protein is affected (Ambry internal data). This variant is considered to be rare based on population cohorts in the Genome Aggregation Database (gnomAD). This alteration has been observed in at least one individual with a personal and/or family history that is consistent with APC-related disease (Ambry internal data).Based on the supporting evidence, this alteration is interpreted as a disease-causing mutation.